The following is an entry in ClinVar:

NM_001034850.3(RETREG1):c.1392T>G (p.Asp464Glu)

Gene: RETREG1 (reticulophagy regulator 1; minus strand). Cytogenetic location: 5p15.1.
Variant type: single nucleotide variant.
Coding change: c.1392T>G on transcript NM_001034850.3 (MANE Select); coding-DNA position 1392, T replaced by G.
Protein change: p.Asp464Glu; replaces aspartic acid 464 with glutamic acid.
Molecular consequence: missense variant.
Genome position (GRCh38, 1-based): chr5:16,474,843, A>C on the plus strand (T>G on the coding strand, the complement: RETREG1 is on the minus strand). VCF-style: chr5-16474843-A-C. GRCh37 (hg19) VCF-style: chr5-16474952-A-C.
Other names: c.969T>G, p.Asp323Glu (NM_019000.5); short protein forms D323E, D464E.
Identifiers: ClinVar variation 1799729 (VCV001799729.2), dbSNP rs756411616, ClinGen allele CA359255653.
Genomic context (GRCh38, chr5:16,474,843, plus strand): 5'-CTTATTTTGCTGTGCTTCTGCTTCCTGGTCTTGTGTAAGTCCCAATTCACTCTCAATTTG[A>C]TCCAGCTCTGACTGGTCAAGTAGTTCAAAGTCATCACCTTCTTCAGTGTCTGTGTCCTCT-3'
Protein context (NP_001030022.1, residues 454-474): DFELLDQSEL[Asp464Glu]QIESELGLTQ

ClinVar aggregate classification (germline): Uncertain significance (1 of 4 stars; one submission).

Conditions:
Inborn genetic diseases. Identifiers: MedGen C0950123, MeSH D030342.

gnomAD v4.1: 2 of 1,613,768 alleles (0.00012%); highest among the groups gnomAD compares: Non-Finnish European, 0.00017%; no homozygotes.

Submission:

Ambry Genetics
Classification: Uncertain significance for Inborn genetic diseases. Last evaluated: 2021-08-02. Review status: criteria provided, single submitter. Criteria: Ambry Variant Classification Scheme 2023. Collection method: clinical testing. Allele origin: germline.
Comment: The p.D464E variant (also known as c.1392T>G), located in coding exon 9 of the FAM134B gene, results from a T to G substitution at nucleotide position 1392. The aspartic acid at codon 464 is replaced by glutamic acid, an amino acid with highly similar properties. This amino acid position is conserved. In addition, this alteration is predicted to be tolerated by in silico analysis. Since supporting evidence is limited at this time, the clinical significance of this alteration remains unclear.